The following is an entry in ClinVar:

NM_004415.4(DSP):c.645G>C (p.Glu215Asp)

Gene: DSP (desmoplakin; plus strand). Cytogenetic location: 6p24.3.
Variant type: single nucleotide variant.
Coding change: c.645G>C on transcript NM_004415.4 (MANE Select); coding-DNA position 645, G replaced by C.
Protein change: p.Glu215Asp; replaces glutamic acid 215 with aspartic acid.
Molecular consequence: missense variant.
Genome position (GRCh38, 1-based): chr6:7,562,699, G>C. VCF-style: chr6-7562699-G-C. GRCh37 (hg19) VCF-style: chr6-7562932-G-C.
Other names: c.645G>C, p.Glu215Asp (NM_001008844.3, NM_001319034.2, NM_001406591.1); short protein forms E215D.
Identifiers: ClinVar variation 3758738 (VCV003758738.2).

ClinVar aggregate classification (germline): Uncertain significance (1 of 4 stars; one submission).

Conditions:
Arrhythmogenic cardiomyopathy with wooly hair and keratoderma. Also called: PALMOPLANTAR KERATODERMA WITH LEFT VENTRICULAR CARDIOMYOPATHY AND WOOLLY HAIR; Carvajal syndrome; Dilated cardiomyopathy with woolly hair and keratoderma; Arrhythmogenic cardiomyopathy with woolly hair and keratoderma. Identifiers: Orphanet 65282, MedGen C1854063, MONDO:0011581, OMIM 605676.
Arrhythmogenic right ventricular dysplasia 8 (ARVD8). Also called: Arrhythmogenic Right Ventricular Dysplasia/Cardiomyopathy 8; ARRHYTHMOGENIC RIGHT VENTRICULAR DYSPLASIA, FAMILIAL, 8; ARRHYTHMOGENIC RIGHT VENTRICULAR CARDIOMYOPATHY 8. Identifiers: MedGen C1843896, MONDO:0011831, OMIM 607450.

Submission:

Labcorp Genetics (formerly Invitae), Labcorp
Classification: Uncertain significance for Arrhythmogenic cardiomyopathy with wooly hair and keratoderma; Arrhythmogenic right ventricular dysplasia 8. Last evaluated: 2025-12-15. Review status: criteria provided, single submitter. Criteria: Invitae Variant Classification Sherloc (09022015). Collection method: clinical testing. Allele origin: germline.
Comment: This sequence change replaces glutamic acid, which is acidic and polar, with aspartic acid, which is acidic and polar, at codon 215 of the DSP protein (p.Glu215Asp). This variant is not present in population databases (gnomAD no frequency). This variant has not been reported in the literature in individuals affected with DSP-related conditions. ClinVar contains an entry for this variant (Variation ID: 3758738). An algorithm developed to predict the effect of missense changes on protein structure and function (PolyPhen-2) suggests that this variant is likely to be disruptive. In summary, the available evidence is currently insufficient to determine the role of this variant in disease. Therefore, it has been classified as a Variant of Uncertain Significance.